The following is an entry in ClinVar:

NM_003859.3(DPM1):c.261T>A (p.Ile87=)

Gene: DPM1 (dolichyl-phosphate mannosyltransferase subunit 1, catalytic; minus strand). Cytogenetic location: 20q13.13.
Variant type: single nucleotide variant.
Coding change: c.261T>A on transcript NM_003859.3 (MANE Select); coding-DNA position 261, T replaced by A.
Protein change: p.Ile87=; no amino-acid change (isoleucine 87 retained).
Molecular consequence: synonymous variant. On other transcripts: non-coding transcript variant (1).
Genome position (GRCh38, 1-based): chr20:50,955,186, A>T on the plus strand (T>A on the coding strand, the complement: DPM1 is on the minus strand). VCF-style: chr20-50955186-A-T. GRCh37 (hg19) VCF-style: chr20-49571723-A-T.
Other names: c.261T>A (NM_003859.2); c.261T>A, p.Ile87= (NM_001317034.1, NM_001317035.1, NM_001317036.1).
Identifiers: ClinVar variation 464500 (VCV000464500.9), dbSNP rs774440510, ClinGen allele CA9909185.
Genomic context (GRCh38, chr20:50,955,186, plus strand): 5'-TCTCATCTTTCCCCTACATAATCACAATTCATATCACAGAAAAATGTTCTTATAACTTAC[A>T]ATTCTGTCTGACCCATAGATCTTCTCCAACTGTTCAGCAACATCCCTTGTTCCATCTGGG-3'
Protein context (NP_003850.1, residues 77-97): QLEKIYGSDR[Ile87=]LLRPREKKLG

ClinVar aggregate classification (germline): Conflicting classifications of pathogenicity. Review status: criteria provided, conflicting classifications (1 of 4 stars). 2 submissions from 2 submitters: Uncertain significance (1); Likely benign (1). Last evaluated 2025-01-31.

Conditions:
DPM1-related disorder. Also called: DPM1-related condition.
Congenital disorder of glycosylation type 1E (CDG1E). Also called: CONGENITAL DISORDER OF GLYCOSYLATION, TYPE Ie; CDG Ie. Identifiers: Orphanet 79322, MedGen C1837396, MONDO:0012123, OMIM 608799.

Allele frequency attached by ClinVar (database versions not stated): ExAC 0.00003; gnomAD exomes 0.00003 and 0.00007; TOPMed 0.00003.
gnomAD v4.1: 21 of 1,607,850 alleles (0.0013%); highest among the groups gnomAD compares: Admixed American, 0.033%; no homozygotes.

Submissions (2):

PreventionGenetics, part of Exact Sciences
Classification: Likely benign for DPM1-related condition. Last evaluated: 2025-01-31. Review status: criteria provided, single submitter. Criteria: ACMG Guidelines, 2015. Collection method: clinical testing. Allele origin: germline.
Comment: This variant is classified as likely benign based on ACMG/AMP sequence variant interpretation guidelines (Richards et al. 2015 PMID: 25741868, with internal and published modifications).

Labcorp Genetics (formerly Invitae), Labcorp
Classification: Uncertain significance for Congenital disorder of glycosylation type 1E. Last evaluated: 2025-01-07. Review status: criteria provided, single submitter. Criteria: Invitae Variant Classification Sherloc (09022015). Collection method: clinical testing. Allele origin: germline.
Comment: This sequence change affects codon 87 of the DPM1 mRNA. It is a 'silent' change, meaning that it does not change the encoded amino acid sequence of the DPM1 protein. It affects a nucleotide within the consensus splice site. This variant is present in population databases (rs774440510, gnomAD 0.04%). This variant has not been reported in the literature in individuals affected with DPM1-related conditions. ClinVar contains an entry for this variant (Variation ID: 464500). Algorithms developed to predict the effect of sequence changes on RNA splicing suggest that this variant is not likely to affect RNA splicing. In summary, the available evidence is currently insufficient to determine the role of this variant in disease. Therefore, it has been classified as a Variant of Uncertain Significance.